The following is an entry in ClinVar:

ClinVar aggregate classification (germline): Likely benign (1 of 4 stars; one submission).

Allele frequency attached by ClinVar (database versions not stated): 1000 Genomes Project 30x 0.00031; 1000 Genomes Project 0.00040; TOPMed 0.00294; ExAC 0.00301; gnomAD 0.00306; ESP Exome Variant Server 0.00323.
gnomAD v4.1: 4,460 of 1,234,536 alleles (0.36%); highest among the groups gnomAD compares: Non-Finnish European, 0.47%; 19 homozygotes.

Submission:

CeGaT Center for Human Genetics Tuebingen
Classification: Likely benign. Last evaluated: 2022-06-01. Review status: criteria provided, single submitter. Criteria: CeGaT Center For Human Genetics Tuebingen Variant Classification Criteria Version 2. Collection method: clinical testing. Allele origin: germline. Affected: yes. Observed: 1 variant allele.
Comment: HAUS6: BP4

NM_017645.5(HAUS6):c.224+6G>C

Gene: HAUS6 (HAUS augmin like complex subunit 6; minus strand). Cytogenetic location: 9p22.1.
Variant type: single nucleotide variant.
Coding change: c.224+6G>C on transcript NM_017645.5 (MANE Select); 6 bases into the intron after coding-DNA position 224, G replaced by C.
Molecular consequence: intron variant.
Genome position (GRCh38, 1-based): chr9:19,096,668, C>G on the plus strand (G>C on the coding strand, the complement: HAUS6 is on the minus strand). VCF-style: chr9-19096668-C-G. GRCh37 (hg19) VCF-style: chr9-19096666-C-G.
Other names: c.224+6G>C (NM_001270890.2).
Identifiers: ClinVar variation 2659104 (VCV002659104.24), dbSNP rs189824591, ClinGen allele CA5002078.